The following is an entry in ClinVar:

NM_001048174.2(MUTYH):c.497dup (p.Glu167fs)

Gene: MUTYH (mutY DNA glycosylase; minus strand). Cytogenetic location: 1p34.1.
Variant type: Duplication.
Coding change: c.497dup on transcript NM_001048174.2 (MANE Select); coding-DNA position 497, one base duplicated (T; older notation c.497dupT).
Protein change: p.Glu167fs; shifts the reading frame from glutamic acid 167.
Molecular consequence: frameshift variant. On other transcripts: non-coding transcript variant (2).
Genome position (GRCh38, 1-based): chr1:45,332,683, A duplicated on the plus strand (T on the coding strand, the reverse complement: MUTYH is on the minus strand). VCF-style (leftmost placement, unchanged base first): chr1-45332682-T-TA. GRCh37 (hg19) VCF-style: chr1-45798354-T-TA.
Other names: c.497dup, p.Glu167fs (NM_001048171.2, NM_001048173.2, NM_001293195.2); c.500dup, p.Glu168fs (NM_001048172.2); c.581dup, p.Glu195fs (NM_001128425.2); c.542dup, p.Glu182fs (NM_001293190.2); c.530dup, p.Glu178fs (NM_001293191.2); c.221dup, p.Glu75fs (NM_001293192.2, NM_001293196.2); c.152dup, p.Glu52fs (NM_001350650.2, NM_001350651.2); c.530dup, p.Glu178Argfs (NM_001407069.1, NM_001407077.1); and 10 more; short protein forms E168fs, E195fs, E75fs, E178fs, E182fs, E192fs, E167fs, E52fs.
Identifiers: ClinVar variation 1992918 (VCV001992918.5), dbSNP rs2524157635, ClinGen allele CA2580063119.

ClinVar aggregate classification (germline): Pathogenic. Review status: criteria provided, multiple submitters, no conflicts (2 of 4 stars). 2 submissions from 2 submitters: Pathogenic (2). Last evaluated 2023-03-28.

Conditions:
Familial adenomatous polyposis 2. Also called: COLORECTAL ADENOMATOUS POLYPOSIS, AUTOSOMAL RECESSIVE; ADENOMAS, MULTIPLE COLORECTAL, AUTOSOMAL RECESSIVE; Adenomas, multiple colorectal; MYH-associated polyposis; MUTYH-associated polyposis; MUTYH-related attenuated familial adenomatous polyposis. Identifiers: Orphanet 220460, Orphanet 247798, MedGen C3272841, MONDO:0012041, OMIM 608456.

Submissions (2):

Myriad Genetics, Inc.
Classification: Pathogenic for Familial adenomatous polyposis 2. Last evaluated: 2023-03-28. Review status: criteria provided, single submitter. Criteria: Myriad Autosomal Dominant, Autosomal Recessive and X-Linked Classification Criteria (2023). Collection method: clinical testing. Allele origin: unknown.
Comment: This variant is considered pathogenic. This variant creates a frameshift predicted to result in premature protein truncation.

Labcorp Genetics (formerly Invitae), Labcorp
Classification: Pathogenic for Familial adenomatous polyposis 2. Last evaluated: 2022-05-11. Review status: criteria provided, single submitter. Criteria: Invitae Variant Classification Sherloc (09022015). Collection method: clinical testing. Allele origin: germline.
Comment: For these reasons, this variant has been classified as Pathogenic. This variant has not been reported in the literature in individuals affected with MUTYH-related conditions. This variant is not present in population databases (gnomAD no frequency). This sequence change creates a premature translational stop signal (p.Glu195Argfs*58) in the MUTYH gene. It is expected to result in an absent or disrupted protein product. Loss-of-function variants in MUTYH are known to be pathogenic (PMID: 18534194, 20663686).

Literature cited by the submitters: PubMed 18534194 (cited by Labcorp Genetics (formerly Invitae), Labcorp); PubMed 20663686 (cited by Labcorp Genetics (formerly Invitae), Labcorp).